The following is an entry in ClinVar:

NM_000748.3(CHRNB2):c.825G>A (p.Ala275=)

Gene: CHRNB2 (cholinergic receptor nicotinic beta 2 subunit; plus strand). Cytogenetic location: 1q21.3.
Variant type: single nucleotide variant.
Coding change: c.825G>A on transcript NM_000748.3 (MANE Select); coding-DNA position 825, G replaced by A.
Protein change: p.Ala275=; no amino-acid change (alanine 275 retained).
Molecular consequence: synonymous variant.
Genome position (GRCh38, 1-based): chr1:154,571,648, G>A. VCF-style: chr1-154571648-G-A. GRCh37 (hg19) VCF-style: chr1-154544124-G-A.
Identifiers: ClinVar variation 379384 (VCV000379384.48), dbSNP rs140739605, ClinGen allele CA1130788.

ClinVar aggregate classification (germline): Likely benign. Review status: criteria provided, multiple submitters, no conflicts (2 of 4 stars). 6 submissions from 6 submitters: Likely benign (6). Last evaluated 2026-08-03.

Conditions:
Familial sleep-related hypermotor epilepsy. Also called: Autosomal Dominant Sleep-Related Hypermotor (Hyperkinetic) Epilepsy. Identifiers: Orphanet 98784, MedGen C3696898, MONDO:0000030.
Inborn genetic diseases. Identifiers: MedGen C0950123, MeSH D030342.
CHRNB2-related disorder. Also called: CHRNB2-related condition.

Allele frequency attached by ClinVar (database versions not stated): gnomAD 0.00007; ESP Exome Variant Server 0.00008; ExAC 0.00009; gnomAD exomes 0.00009 and 0.00010; TOPMed 0.00009.
gnomAD v4.1: 158 of 1,614,082 alleles (0.0098%); highest among the groups gnomAD compares: Non-Finnish European, 0.012%; no homozygotes.

Submissions (6):

PreventionGenetics, part of Exact Sciences
Classification: Likely benign for CHRNB2-related condition. Last evaluated: 2026-08-03. Review status: criteria provided, single submitter. Criteria: ACMG Guidelines, 2015. Collection method: clinical testing. Allele origin: germline.
Comment: This variant is classified as likely benign based on ACMG/AMP sequence variant interpretation guidelines (Richards et al. 2015 PMID: 25741868, with internal and published modifications).

Labcorp Genetics (formerly Invitae), Labcorp
Classification: Likely benign. Last evaluated: 2025-06-01. Review status: criteria provided, single submitter. Criteria: Invitae Variant Classification Sherloc (09022015). Collection method: clinical testing. Allele origin: germline.

Blueprint Genetics
Classification: Likely benign. Last evaluated: 2024-07-17. Review status: criteria provided, single submitter. Criteria: ACMG Guidelines, 2015. Collection method: clinical testing. Allele origin: germline.

CeGaT Center for Human Genetics Tuebingen
Classification: Likely benign. Last evaluated: 2022-03-01. Review status: criteria provided, single submitter. Criteria: CeGaT Center For Human Genetics Tuebingen Variant Classification Criteria Version 2. Collection method: clinical testing. Allele origin: germline. Affected: yes. Observed: 1 variant allele.
Comment: CHRNB2: BP4, BP7

GeneDx
Classification: Likely benign. Last evaluated: 2019-06-04. Review status: criteria provided, single submitter. Criteria: GeneDx Variant Classification Process June 2021. Collection method: clinical testing. Allele origin: germline. Affected: yes.

Ambry Genetics
Classification: Likely benign for Inborn genetic diseases. Last evaluated: 2018-07-31. Review status: criteria provided, single submitter. Criteria: Ambry Variant Classification Scheme 2023. Collection method: clinical testing. Allele origin: germline.